The following is an entry in ClinVar:

NM_000038.6(APC):c.796G>A (p.Val266Met)

Gene: APC (APC regulator of Wnt signaling pathway; plus strand). Cytogenetic location: 5q22.2.
Variant type: single nucleotide variant.
Coding change: c.796G>A on transcript NM_000038.6 (MANE Select); coding-DNA position 796, G replaced by A.
Protein change: p.Val266Met; replaces valine 266 with methionine.
Molecular consequence: missense variant. On other transcripts: 5 prime UTR variant (1).
Genome position (GRCh38, 1-based): chr5:112,801,345, G>A. VCF-style: chr5-112801345-G-A. GRCh37 (hg19) VCF-style: chr5-112137042-G-A.
Other names: c.796G>A, p.Val266Met (NM_001127510.3, NM_001354895.2, NM_001354896.2 and 1 more transcripts); c.742G>A, p.Val248Met (NM_001127511.3); c.826G>A, p.Val276Met (NM_001354897.2, NM_001354902.2); c.721G>A, p.Val241Met (NM_001354898.2, NM_001354904.2); c.712G>A, p.Val238Met (NM_001354899.2); c.619G>A, p.Val207Met (NM_001354900.2, NM_001354901.2, NM_001354905.2); c.-240G>A (NM_001354906.2); short protein forms V266M, V207M, V248M, V276M, V238M, V241M.
Identifiers: ClinVar variation 919316 (VCV000919316.11), dbSNP rs1760802943, ClinGen allele CA16023070.

ClinVar aggregate classification (germline): Uncertain significance. Review status: criteria provided, multiple submitters, no conflicts (2 of 4 stars). 4 submissions from 4 submitters: Uncertain significance (4). Last evaluated 2024-06-13.

Conditions:
Hereditary cancer-predisposing syndrome. Also called: Neoplastic Syndromes, Hereditary; Tumor predisposition; Hereditary Cancer Syndrome; Hereditary neoplastic syndrome. Identifiers: Orphanet 140162, MedGen C0027672, MeSH D009386, MONDO:0015356.
Familial adenomatous polyposis 1 (FAP1). Also called: FAMILIAL ADENOMATOUS POLYPOSIS 1, ATTENUATED; POLYPOSIS, ADENOMATOUS INTESTINAL. Identifiers: MedGen C2713442, MONDO:0021056, OMIM 175100. Disease mechanism: loss of function.

gnomAD v4.1: 1 of 1,612,678 alleles (0.000062%); no homozygotes.

Submissions (4):

Ambry Genetics
Classification: Uncertain significance for Hereditary cancer-predisposing syndrome. Last evaluated: 2024-06-13. Review status: criteria provided, single submitter. Criteria: Ambry Variant Classification Scheme 2023. Collection method: clinical testing. Allele origin: germline.
Comment: The p.V266M variant (also known as c.796G>A), located in coding exon 7 of the APC gene, results from a G to A substitution at nucleotide position 796. The valine at codon 266 is replaced by methionine, an amino acid with highly similar properties. This amino acid position is not well conserved in available vertebrate species. In addition, in silico predictors for this gene do not accurately predict pathogenicity. Missense alterations in APC are not a common cause of disease (Spier I et al. Genet Med. 2024 Feb;26(2):100992). Based on the available evidence, the clinical significance of this variant remains unclear.

Labcorp Genetics (formerly Invitae), Labcorp
Classification: Uncertain significance for Familial adenomatous polyposis 1. Last evaluated: 2023-08-25. Review status: criteria provided, single submitter. Criteria: Invitae Variant Classification Sherloc (09022015). Collection method: clinical testing. Allele origin: germline.
Comment: This sequence change replaces valine, which is neutral and non-polar, with methionine, which is neutral and non-polar, at codon 266 of the APC protein (p.Val266Met). This variant is not present in population databases (gnomAD no frequency). This variant has not been reported in the literature in individuals affected with APC-related conditions. ClinVar contains an entry for this variant (Variation ID: 919316). Advanced modeling of protein sequence and biophysical properties (such as structural, functional, and spatial information, amino acid conservation, physicochemical variation, residue mobility, and thermodynamic stability) performed at Invitae indicates that this missense variant is not expected to disrupt APC protein function. In summary, the available evidence is currently insufficient to determine the role of this variant in disease. Therefore, it has been classified as a Variant of Uncertain Significance.

GeneDx
Classification: Uncertain significance. Last evaluated: 2019-09-18. Review status: criteria provided, single submitter. Criteria: GeneDx Variant Classification Process June 2021. Collection method: clinical testing. Allele origin: germline. Affected: yes.
Comment: Not observed in large population cohorts (Lek et al., 2016); In silico analysis, which includes protein predictors and evolutionary conservation, supports that this variant does not alter protein structure/function; Has not been previously published as pathogenic or benign to our knowledge

Color Diagnostics, LLC DBA Color Health
Classification: Uncertain significance for Hereditary cancer-predisposing syndrome. Last evaluated: 2019-06-17. Review status: criteria provided, single submitter. Criteria: ACMG Guidelines, 2015. Collection method: clinical testing. Allele origin: germline.